The following is an entry in ClinVar:

NM_006231.4(POLE):c.6754A>G (p.Met2252Val)

Gene: POLE (DNA polymerase epsilon, catalytic subunit; minus strand). Cytogenetic location: 12q24.33.
Variant type: single nucleotide variant.
Coding change: c.6754A>G on transcript NM_006231.4 (MANE Select); coding-DNA position 6754, A replaced by G.
Protein change: p.Met2252Val; replaces methionine 2252 with valine.
Molecular consequence: missense variant.
Genome position (GRCh38, 1-based): chr12:132,624,804, T>C on the plus strand (A>G on the coding strand, the complement: POLE is on the minus strand). VCF-style: chr12-132624804-T-C. GRCh37 (hg19) VCF-style: chr12-133201390-T-C.
Other names: short protein forms M2252V.
Identifiers: ClinVar variation 240617 (VCV000240617.14), dbSNP rs759660507, ClinGen allele CA6891970.

ClinVar aggregate classification (germline): Conflicting classifications of pathogenicity. Review status: criteria provided, conflicting classifications (1 of 4 stars). 3 submissions from 3 submitters: Uncertain significance (2); Likely benign (1). Last evaluated 2025-12-21.

Conditions:
Hereditary cancer-predisposing syndrome. Also called: Tumor predisposition; Neoplastic Syndromes, Hereditary; Hereditary Cancer Syndrome; Hereditary neoplastic syndrome. Identifiers: Orphanet 140162, MedGen C0027672, MeSH D009386, MONDO:0015356.

Allele frequency attached by ClinVar (database versions not stated): gnomAD 0.00001; TOPMed 0.00001.
gnomAD v4.1: 12 of 1,610,332 alleles (0.00075%); highest among the groups gnomAD compares: Admixed American, 0.0067%; no homozygotes.

Submissions (3):

Labcorp Genetics (formerly Invitae), Labcorp
Classification: Uncertain significance. Last evaluated: 2025-12-21. Review status: criteria provided, single submitter. Criteria: Invitae Variant Classification Sherloc (09022015). Collection method: clinical testing. Allele origin: germline.
Comment: This sequence change replaces methionine, which is neutral and non-polar, with valine, which is neutral and non-polar, at codon 2252 of the POLE protein (p.Met2252Val). This variant is present in population databases (rs759660507, gnomAD 0.01%). This variant has not been reported in the literature in individuals affected with POLE-related conditions. ClinVar contains an entry for this variant (Variation ID: 240617). Invitae Evidence Modeling of protein sequence and biophysical properties (such as structural, functional, and spatial information, amino acid conservation, physicochemical variation, residue mobility, and thermodynamic stability) indicates that this missense variant is not expected to disrupt POLE protein function with a negative predictive value of 80%. In summary, the available evidence is currently insufficient to determine the role of this variant in disease. Therefore, it has been classified as a Variant of Uncertain Significance.

Ambry Genetics
Classification: Likely benign for Hereditary cancer-predisposing syndrome. Last evaluated: 2024-03-28. Review status: criteria provided, single submitter. Criteria: Ambry Variant Classification Scheme 2023. Collection method: clinical testing. Allele origin: germline.

Genetic Services Laboratory, University of Chicago
Classification: Uncertain significance. Last evaluated: 2020-11-12. Review status: criteria provided, single submitter. Criteria: ACMG Guidelines, 2015. Collection method: clinical testing. Allele origin: germline. Affected: no.
Comment: DNA sequence analysis of the POLE gene demonstrated a sequence change, c.6754A>G, in exon 49 that results in an amino acid change, p.Met2252Val. This sequence change does not appear to have been previously described in patients with POLE-related disorders and has been described in the gnomAD database in four individuals with an overall population frequency of 0.0014% (dbSNP rs759660507). The p.Met2252Val change affects a poorly conserved amino acid residue located in a domain of the POLE protein that is not known to be functional. The p.Met2252Val substitution appears to be benign using several in-silico pathogenicity prediction tools (SIFT, PolyPhen2, Align GVGD, REVEL). Due to these contrasting evidences and the lack of functional studies, the clinical significance of the p.Met2252Val change remains unknown at this time.

Literature cited by the submitters: PubMed 38282550 (cited by Ambry Genetics).